The following is an entry in ClinVar:

ClinVar aggregate classification (germline): Likely benign. Review status: criteria provided, multiple submitters, no conflicts (2 of 4 stars). 7 submissions from 7 submitters: Likely benign (7). Last evaluated 2026-02-04.

Conditions:
MYBPC3-related disorder. Also called: MYBPC3-related condition; MYBPC3-related disease; MYBPC3-related disorders.
Cardiovascular phenotype. Identifiers: MedGen CN230736.
Cardiomyopathy (CMYO). Also called: Cardiomyopathies. Identifiers: Orphanet 167848, MedGen C0878544, MONDO:0004994, HP:0001638. Inheritance: Various modes of inheritance.
Hypertrophic cardiomyopathy. Also called: HYPERTROPHIC MYOCARDIOPATHY. Identifiers: Orphanet 217569, MedGen C0007194, MeSH D002312, MONDO:0005045, HP:0001639.

Allele frequency attached by ClinVar (database versions not stated): gnomAD exomes 0.00002; ExAC 0.00003; TOPMed 0.00005; ESP Exome Variant Server 0.00008; 1000 Genomes Project 30x 0.00031; 1000 Genomes Project 0.00040.
gnomAD v4.1: 28 of 1,612,704 alleles (0.0017%); highest among the groups gnomAD compares: Admixed American, 0.03%; no homozygotes.

Submissions (7):

Labcorp Genetics (formerly Invitae), Labcorp
Classification: Likely benign for Hypertrophic cardiomyopathy. Last evaluated: 2026-02-04. Review status: criteria provided, single submitter. Criteria: Invitae Variant Classification Sherloc (09022015). Collection method: clinical testing. Allele origin: germline.

PreventionGenetics, part of Exact Sciences
Classification: Likely benign for MYBPC3-related condition. Last evaluated: 2025-05-21. Review status: criteria provided, single submitter. Criteria: ACMG Guidelines, 2015. Collection method: clinical testing. Allele origin: germline.
Comment: This variant is classified as likely benign based on ACMG/AMP sequence variant interpretation guidelines (Richards et al. 2015 PMID: 25741868, with internal and published modifications).

All of Us Research Program, National Institutes of Health
Classification: Likely benign for Hypertrophic cardiomyopathy. Last evaluated: 2023-12-18. Review status: criteria provided, single submitter. Criteria: ACMG Guidelines, 2015. Collection method: clinical testing. Allele origin: germline. Inheritance: Autosomal dominant inheritance. Observed: 19 variant alleles, 19 heterozygotes.
Comment: This study involves interpretation of variants in research participants for the purpose of population health screening. Participant phenotype was not available at the time of variant classification. Additional details can be found in publication PMID: 35346344, PMCID: PMC8962531

Blueprint Genetics
Classification: Likely benign. Last evaluated: 2022-06-13. Review status: criteria provided, single submitter. Criteria: ACMG Guidelines, 2015. Collection method: clinical testing. Allele origin: germline.

Ambry Genetics
Classification: Likely benign for Cardiovascular phenotype. Last evaluated: 2020-05-14. Review status: criteria provided, single submitter. Criteria: Ambry Variant Classification Scheme 2023. Collection method: clinical testing. Allele origin: germline.

Women's Health and Genetics/Laboratory Corporation of America, LabCorp
Classification: Likely benign. Last evaluated: 2019-08-29. Review status: criteria provided, single submitter. Criteria: LabCorp Variant Classification Summary - May 2015. Collection method: clinical testing. Allele origin: germline.

Color Diagnostics, LLC DBA Color Health
Classification: Likely benign for Cardiomyopathy. Last evaluated: 2019-07-27. Review status: criteria provided, single submitter. Criteria: ACMG Guidelines, 2015. Collection method: clinical testing. Allele origin: germline.

NM_000256.3(MYBPC3):c.2784G>C (p.Ser928=)

Gene: MYBPC3 (myosin binding protein C3; minus strand). Cytogenetic location: 11p11.2.
Variant type: single nucleotide variant.
Coding change: c.2784G>C on transcript NM_000256.3 (MANE Select); coding-DNA position 2784, G replaced by C.
Protein change: p.Ser928=; no amino-acid change (serine 928 retained).
Molecular consequence: synonymous variant.
Genome position (GRCh38, 1-based): chr11:47,335,163, C>G on the plus strand (G>C on the coding strand, the complement: MYBPC3 is on the minus strand). VCF-style: chr11-47335163-C-G. GRCh37 (hg19) VCF-style: chr11-47356714-C-G.
Other names: c.2784G>C, p.Ser928= (LRG_386t1).
Identifiers: ClinVar variation 495779 (VCV000495779.20), dbSNP rs372510974, ClinGen allele CA078959.